The following is an entry in ClinVar:

NM_000553.6(WRN):c.1829+5G>A

Gene: WRN (WRN RecQ like helicase; plus strand). Cytogenetic location: 8p12.
Variant type: single nucleotide variant.
Coding change: c.1829+5G>A on transcript NM_000553.6 (MANE Select); 5 bases into the intron after coding-DNA position 1829, G replaced by A.
Molecular consequence: intron variant.
Genome position (GRCh38, 1-based): chr8:31,090,947, G>A. VCF-style: chr8-31090947-G-A. GRCh37 (hg19) VCF-style: chr8-30948463-G-A.
Identifiers: ClinVar variation 649513 (VCV000649513.8), dbSNP rs751015040, ClinGen allele CA4704495.

ClinVar aggregate classification (germline): Likely pathogenic. Review status: criteria provided, multiple submitters, no conflicts (2 of 4 stars). 2 submissions from 2 submitters: Likely pathogenic (2). Last evaluated 2026-05-22.

Conditions:
Werner syndrome (WRN). Identifiers: Orphanet 902, MedGen C0043119, MONDO:0010196, OMIM 277700.

Allele frequency attached by ClinVar (database versions not stated): ExAC 0.00002; gnomAD 0.00001; gnomAD exomes 0.00002 and 0.00001.
gnomAD v4.1: 8 of 1,601,918 alleles (0.0005%); highest among the groups gnomAD compares: Non-Finnish European, 0.00068%; no homozygotes.

Submissions (2):

Clinical Genetics Laboratory, Skane University Hospital Lund
Classification: Likely pathogenic for Werner syndrome. Last evaluated: 2026-05-22. Review status: criteria provided, single submitter. Criteria: ACMG Guidelines, 2015. Collection method: clinical testing. Allele origin: germline. Affected: yes.
Comment: Detected in a heterozygous state in compound with a pathogenic WRN variant, phase unknown. ACMG criteria applied: PM2, PM3_supp, PP1, PP3, PP4_strong

Labcorp Genetics (formerly Invitae), Labcorp
Classification: Likely pathogenic for Werner syndrome. Last evaluated: 2023-05-08. Review status: criteria provided, single submitter. Criteria: Invitae Variant Classification Sherloc (09022015). Collection method: clinical testing. Allele origin: germline.
Comment: In summary, the currently available evidence indicates that the variant is pathogenic, but additional data are needed to prove that conclusively. Therefore, this variant has been classified as Likely Pathogenic. Variants that disrupt the consensus splice site are a relatively common cause of aberrant splicing (PMID: 17576681, 9536098). Studies have shown that this variant results in skipping of exon 15 and introduces a premature termination codon (Invitae). The resulting mRNA is expected to undergo nonsense-mediated decay. ClinVar contains an entry for this variant (Variation ID: 649513). This sequence change falls in intron 15 of the WRN gene. It does not directly change the encoded amino acid sequence of the WRN protein. RNA analysis indicates that this variant induces altered splicing and may result in an absent or disrupted protein product. The frequency data for this variant in the population databases is considered unreliable, as metrics indicate poor data quality at this position in the gnomAD database. This variant has not been reported in the literature in individuals affected with WRN-related conditions.

Literature cited by the submitters: PubMed 17576681 (cited by Labcorp Genetics (formerly Invitae), Labcorp); PubMed 9536098 (cited by Labcorp Genetics (formerly Invitae), Labcorp).